The following is an entry in ClinVar:

NM_001161352.2(KCNMA1):c.3653G>T (p.Arg1218Leu)

Gene: KCNMA1 (potassium calcium-activated channel subfamily M alpha 1; minus strand). Cytogenetic location: 10q22.3.
Variant type: single nucleotide variant.
Coding change: c.3653G>T on transcript NM_001161352.2 (MANE Select); coding-DNA position 3653, G replaced by T.
Protein change: p.Arg1218Leu; replaces arginine 1218 with leucine.
Molecular consequence: missense variant.
Genome position (GRCh38, 1-based): chr10:76,887,324, C>A on the plus strand (G>T on the coding strand, the complement: KCNMA1 is on the minus strand). VCF-style: chr10-76887324-C-A. GRCh37 (hg19) VCF-style: chr10-78647082-C-A.
Other names: c.3491G>T, p.Arg1164Leu (NM_001014797.3); c.3602G>T, p.Arg1201Leu (NM_001161353.2); c.3329G>T, p.Arg1110Leu (NM_001271518.2); c.3569G>T, p.Arg1190Leu (NM_001271519.2); c.3488G>T, p.Arg1163Leu (NM_001322829.2, NM_001322836.2); c.3581G>T, p.Arg1194Leu (NM_001322830.2); c.3479G>T, p.Arg1160Leu (NM_001322832.2, NM_001410940.1, NM_002247.4); c.3572G>T, p.Arg1191Leu (NM_001322835.2, NM_001322837.2); and 1 more; short protein forms R1009L, R1110L, R1160L, R1163L, R1164L, R1190L, R1191L, R1194L.
Identifiers: ClinVar variation 1803624 (VCV001803624.1), dbSNP rs200723995, ClinGen allele CA377402564.

ClinVar aggregate classification (germline): Uncertain significance (1 of 4 stars; one submission).

Submission:

GeneDx
Classification: Uncertain significance. Last evaluated: 2022-06-07. Review status: criteria provided, single submitter. Criteria: GeneDx Variant Classification Process June 2021. Collection method: clinical testing. Allele origin: germline. Affected: yes.
Comment: Not observed at significant frequency in large population cohorts (gnomAD); In silico analysis supports that this missense variant does not alter protein structure/function; Has not been previously published as pathogenic or benign to our knowledge